The following is an entry in ClinVar:

NM_032043.3(BRIP1):c.688_690delinsCA (p.Ser230fs)

Gene: BRIP1 (BRCA1 interacting DNA helicase 1; minus strand). Cytogenetic location: 17q23.2.
Variant type: Indel.
Coding change: c.688_690delinsCA on transcript NM_032043.3 (MANE Select); coding-DNA positions 688 to 690, TCG replaced by CA.
Protein change: p.Ser230fs; shifts the reading frame from serine 230.
Molecular consequence: frameshift variant.
Genome position (GRCh38, 1-based): chr17:61,808,695-61,808,697, CGA replaced by TG on the plus strand (TCG replaced by CA on the coding strand, the reverse complement: BRIP1 is on the minus strand). VCF-style: chr17-61808695-CGA-TG. GRCh37 (hg19) VCF-style: chr17-59886056-CGA-TG.
Other names: short protein forms S230fs.
Identifiers: ClinVar variation 4856708 (VCV004856708.1).

ClinVar aggregate classification (germline): Pathogenic (1 of 4 stars; one submission).

Conditions:
Familial ovarian cancer. Identifiers: MedGen C5679802, MONDO:0016248.

Submission:

Myriad Genetics, Inc.
Classification: Pathogenic for Familial ovarian cancer. Last evaluated: 2026-01-07. Review status: criteria provided, single submitter. Criteria: Myriad Autosomal Dominant, Autosomal Recessive and X-Linked Classification Criteria (2023). Collection method: clinical testing. Allele origin: unknown.
Comment: This variant is considered pathogenic. This variant creates a frameshift predicted to result in premature protein truncation.